The following is an entry in ClinVar:

ClinVar aggregate classification (germline): Uncertain significance (1 of 4 stars; one submission).

Allele frequency attached by ClinVar (database versions not stated): 1000 Genomes Project 30x 0.00016; 1000 Genomes Project 0.00020.
gnomAD v4.1: 128 of 763,864 alleles (0.017%); highest among the groups gnomAD compares: Admixed American, 0.024%; no homozygotes.

Submission:

Labcorp Genetics (formerly Invitae), Labcorp
Classification: Uncertain significance. Last evaluated: 2025-07-11. Review status: criteria provided, single submitter. Criteria: Invitae Variant Classification Sherloc (09022015). Collection method: clinical testing. Allele origin: germline.
Comment: This variant occurs in the SNORD118 gene, which encodes an RNA molecule that does not result in a protein product. This variant is present in population databases (rs532883630, gnomAD 0.06%). This variant has not been reported in the literature in individuals affected with SNORD118-related conditions. ClinVar contains an entry for this variant (Variation ID: 1413075). Experimental studies and prediction algorithms are not available or were not evaluated, and the functional significance of this variant is currently unknown. In summary, the available evidence is currently insufficient to determine the role of this variant in disease. Therefore, it has been classified as a Variant of Uncertain Significance.

NR_033294.2(SNORD118):n.1A>G

Genes: SNORD118 (small nucleolar RNA, C/D box 118; minus strand), TMEM107 (transmembrane protein 107; minus strand). Cytogenetic location: 17p13.1.
Variant type: single nucleotide variant.
Molecular consequence: non-coding transcript variant (on NR_033294.2). On other transcripts: 3 prime UTR variant (5).
Genome position: GRCh38 VCF-style: chr17-8173588-T-C. GRCh37 (hg19) VCF-style: chr17-8076906-T-C.
Other names: c.*615A>G (NM_001351278.2, NM_001351279.2, NM_001351280.2 and 2 more transcripts).
Identifiers: ClinVar variation 1413075 (VCV001413075.5), dbSNP rs532883630, ClinGen allele CA8370849.